The following is an entry in ClinVar:

ClinVar aggregate classification (germline): Uncertain significance (1 of 4 stars; one submission).

Conditions:
Inborn genetic diseases. Identifiers: MedGen C0950123, MeSH D030342.

gnomAD v4.1: 1 of 1,614,016 alleles (0.000062%); highest among the groups gnomAD compares: Non-Finnish European, 0.000085%; no homozygotes.

Submission:

Ambry Genetics
Classification: Uncertain significance for Inborn genetic diseases. Last evaluated: 2022-11-04. Review status: criteria provided, single submitter. Criteria: Ambry Variant Classification Scheme 2023. Collection method: clinical testing. Allele origin: germline.
Comment: The p.Q784L variant (also known as c.2351A>T), located in coding exon 15 of the EPAS1 gene, results from an A to T substitution at nucleotide position 2351. The glutamine at codon 784 is replaced by leucine, an amino acid with dissimilar properties. This amino acid position is conserved. In addition, this alteration is predicted to be tolerated by in silico analysis. Since supporting evidence is limited at this time, the clinical significance of this alteration remains unclear.

NM_001430.5(EPAS1):c.2351A>T (p.Gln784Leu)

Gene: EPAS1 (endothelial PAS domain protein 1; plus strand). Cytogenetic location: 2p21.
Variant type: single nucleotide variant.
Coding change: c.2351A>T on transcript NM_001430.5 (MANE Select); coding-DNA position 2351, A replaced by T.
Protein change: p.Gln784Leu; replaces glutamine 784 with leucine.
Molecular consequence: missense variant.
Genome position (GRCh38, 1-based): chr2:46,382,488, A>T. VCF-style: chr2-46382488-A-T. GRCh37 (hg19) VCF-style: chr2-46609627-A-T.
Other names: short protein forms Q784L.
Identifiers: ClinVar variation 2497556 (VCV002497556.2), dbSNP rs756889148, ClinGen allele CA1645320.